The following is an entry in ClinVar:

NM_004431.5(EPHA2):c.1679G>A (p.Arg560His)

Gene: EPHA2 (EPH receptor A2; minus strand). Cytogenetic location: 1p36.13.
Variant type: single nucleotide variant.
Coding change: c.1679G>A on transcript NM_004431.5 (MANE Select); coding-DNA position 1679, G replaced by A.
Protein change: p.Arg560His; replaces arginine 560 with histidine.
Molecular consequence: missense variant.
Genome position (GRCh38, 1-based): chr1:16,134,471, C>T on the plus strand (G>A on the coding strand, the complement: EPHA2 is on the minus strand). VCF-style: chr1-16134471-C-T. GRCh37 (hg19) VCF-style: chr1-16460966-C-T.
Other names: c.1517G>A, p.Arg506His (NM_001329090.2); short protein forms R560H, R506H.
Identifiers: ClinVar variation 2238106 (VCV002238106.3), dbSNP rs769625456, ClinGen allele CA625096.

ClinVar aggregate classification (germline): Uncertain significance. Review status: criteria provided, multiple submitters, no conflicts (2 of 4 stars). 2 submissions from 2 submitters: Uncertain significance (2). Last evaluated 2025-04-09.

Conditions:
Inborn genetic diseases. Identifiers: MedGen C0950123, MeSH D030342.
Cataract 6 multiple types. Also called: CATARACT 6, POSTERIOR POLAR; CATARACT 6, CONGENITAL TOTAL; CATARACT, AGE-RELATED CORTICAL, 2. Identifiers: Orphanet 91492, MedGen C1861825, MONDO:0007288, OMIM 116600.

Allele frequency attached by ClinVar (database versions not stated): gnomAD exomes 0.00001; ExAC 0.00002; TOPMed 0.00003; gnomAD 0.00006.
gnomAD v4.1: 30 of 1,613,988 alleles (0.0019%); highest among the groups gnomAD compares: African/African-American, 0.016%; no homozygotes.

Submissions (2):

Labcorp Genetics (formerly Invitae), Labcorp
Classification: Uncertain significance for Cataract 6 multiple types. Last evaluated: 2025-04-09. Review status: criteria provided, single submitter. Criteria: Invitae Variant Classification Sherloc (09022015). Collection method: clinical testing. Allele origin: germline.
Comment: This sequence change replaces arginine, which is basic and polar, with histidine, which is basic and polar, at codon 560 of the EPHA2 protein (p.Arg560His). This variant is present in population databases (rs769625456, gnomAD 0.01%). This variant has not been reported in the literature in individuals affected with EPHA2-related conditions. ClinVar contains an entry for this variant (Variation ID: 2238106). Invitae Evidence Modeling of protein sequence and biophysical properties (such as structural, functional, and spatial information, amino acid conservation, physicochemical variation, residue mobility, and thermodynamic stability) indicates that this missense variant is expected to disrupt EPHA2 protein function with a positive predictive value of 80%. In summary, the available evidence is currently insufficient to determine the role of this variant in disease. Therefore, it has been classified as a Variant of Uncertain Significance.

Ambry Genetics
Classification: Uncertain significance for Inborn genetic diseases. Last evaluated: 2021-07-16. Review status: criteria provided, single submitter. Criteria: Ambry Variant Classification Scheme 2023. Collection method: clinical testing. Allele origin: germline.